The following is an entry in ClinVar:

ClinVar aggregate classification (germline): Likely pathogenic. Review status: criteria provided, multiple submitters, no conflicts (2 of 4 stars). 2 submissions from 2 submitters: Likely pathogenic (2). Last evaluated 2024-03-04.

Conditions:
Fanconi anemia (FA). Also called: Fanconi's anemia. Identifiers: Orphanet 84, MedGen C0015625, MeSH D005199, MONDO:0019391.
Fanconi anemia complementation group I (FANCI). Also called: FANCI-Related Fanconi Anemia. Identifiers: Orphanet 84, MedGen C1836861, MONDO:0012186, OMIM 609053.

Allele frequency attached by ClinVar (database versions not stated): gnomAD 0.00001; gnomAD exomes 0.00001.
gnomAD v4.1: 9 of 1,613,988 alleles (0.00056%); highest among the groups gnomAD compares: South Asian, 0.0099%; no homozygotes.

Submissions (2):

Baylor Genetics
Classification: Likely pathogenic for Fanconi anemia complementation group I. Last evaluated: 2024-03-04. Review status: criteria provided, single submitter. Criteria: ACMG Guidelines, 2015. Collection method: clinical testing. Allele origin: unknown.

Labcorp Genetics (formerly Invitae), Labcorp
Classification: Likely pathogenic for Fanconi anemia. Last evaluated: 2023-10-14. Review status: criteria provided, single submitter. Criteria: Invitae Variant Classification Sherloc (09022015). Collection method: clinical testing. Allele origin: germline.
Comment: This sequence change affects a donor splice site in intron 23 of the FANCI gene. It is expected to disrupt RNA splicing. Variants that disrupt the donor or acceptor splice site typically lead to a loss of protein function (PMID: 16199547), and loss-of-function variants in FANCI are known to be pathogenic (PMID: 17452773, 17460694). This variant is present in population databases (no rsID available, gnomAD 0.01%). This variant has not been reported in the literature in individuals affected with FANCI-related conditions. Algorithms developed to predict the effect of sequence changes on RNA splicing suggest that this variant may disrupt the consensus splice site. In summary, the currently available evidence indicates that the variant is pathogenic, but additional data are needed to prove that conclusively. Therefore, this variant has been classified as Likely Pathogenic.

Literature cited by the submitters: PubMed 16199547 (cited by Labcorp Genetics (formerly Invitae), Labcorp); PubMed 17452773 (cited by Labcorp Genetics (formerly Invitae), Labcorp); PubMed 17460694 (cited by Labcorp Genetics (formerly Invitae), Labcorp).

NM_001113378.2(FANCI):c.2456+1G>A

Gene: FANCI (FA complementation group I; plus strand). Cytogenetic location: 15q26.1.
Variant type: single nucleotide variant.
Coding change: c.2456+1G>A on transcript NM_001113378.2 (MANE Select); the canonical splice donor site of the intron after coding-DNA position 2456, G replaced by A.
Molecular consequence: splice donor variant.
Genome position (GRCh38, 1-based): chr15:89,293,998, G>A. VCF-style: chr15-89293998-G-A. GRCh37 (hg19) VCF-style: chr15-89837229-G-A.
Other names: c.2456+1G>A (NM_018193.3, NM_001376911.1); c.2177+1G>A (NM_001376910.1).
Identifiers: ClinVar variation 2675621 (VCV002675621.5), dbSNP rs1437269265, ClinGen allele CA393750511.